The following is an entry in ClinVar:

ClinVar aggregate classification (germline): Uncertain significance. Review status: criteria provided, multiple submitters, no conflicts (2 of 4 stars). 2 submissions from 2 submitters: Uncertain significance (2). Last evaluated 2025-12-22.

Conditions:
UCP3-related disorder. Also called: UCP3-related condition.

Submissions (2):

PreventionGenetics, part of Exact Sciences
Classification: Uncertain significance for UCP3-related condition. Last evaluated: 2025-12-22. Review status: criteria provided, single submitter. Criteria: ACMG Guidelines, 2015. Collection method: clinical testing. Allele origin: germline.
Comment: The UCP3 c.367G>A variant is predicted to result in the amino acid substitution p.Gly123Ser. To our knowledge, this variant has not been reported in the literature. This variant is reported in 0.012% of alleles in individuals of African descent in gnomAD. At this time, the clinical significance of this variant is uncertain due to the absence of conclusive functional and genetic evidence.

Ambry Genetics
Classification: Uncertain significance. Last evaluated: 2025-09-26. Review status: criteria provided, single submitter. Criteria: Ambry Variant Classification Scheme 2023. Collection method: clinical testing. Allele origin: germline.

NM_003356.4(UCP3):c.367G>A (p.Gly123Ser)

Gene: UCP3 (uncoupling protein 3; minus strand). Cytogenetic location: 11q13.4.
Variant type: single nucleotide variant.
Coding change: c.367G>A on transcript NM_003356.4 (MANE Select); coding-DNA position 367, G replaced by A.
Protein change: p.Gly123Ser; replaces glycine 123 with serine.
Molecular consequence: missense variant.
Genome position (GRCh38, 1-based): chr11:74,005,904, C>T on the plus strand (G>A on the coding strand, the complement: UCP3 is on the minus strand). VCF-style: chr11-74005904-C-T. GRCh37 (hg19) VCF-style: chr11-73716949-C-T.
Other names: c.367G>A, p.Gly123Ser (NM_022803.3); short protein forms G123S.
Identifiers: ClinVar variation 4601652 (VCV004601652.2).